The following is an entry in ClinVar:

ClinVar aggregate classification (germline): Uncertain significance (1 of 4 stars; one submission).

Conditions:
Combined immunodeficiency due to LRBA deficiency. Also called: Common variable immunodeficiency 8, with autoimmunity. Identifiers: Orphanet 445018, MedGen C3553512, MONDO:0013863, OMIM 614700.

Allele frequency attached by ClinVar (database versions not stated): TOPMed below 0.00001.
gnomAD v4.1: 1 of 1,608,142 alleles (0.000062%); no homozygotes.

Submission:

Labcorp Genetics (formerly Invitae), Labcorp
Classification: Uncertain significance for Combined immunodeficiency due to LRBA deficiency. Last evaluated: 2023-05-09. Review status: criteria provided, single submitter. Criteria: Invitae Variant Classification Sherloc (09022015). Collection method: clinical testing. Allele origin: germline.
Comment: In summary, the available evidence is currently insufficient to determine the role of this variant in disease. Therefore, it has been classified as a Variant of Uncertain Significance. Advanced modeling of protein sequence and biophysical properties (such as structural, functional, and spatial information, amino acid conservation, physicochemical variation, residue mobility, and thermodynamic stability) performed at Invitae indicates that this missense variant is not expected to disrupt LRBA protein function. This variant has not been reported in the literature in individuals affected with LRBA-related conditions. This variant is not present in population databases (gnomAD no frequency). This sequence change replaces histidine, which is basic and polar, with arginine, which is basic and polar, at codon 1272 of the LRBA protein (p.His1272Arg).

NM_001364905.1(LRBA):c.3815A>G (p.His1272Arg)

Gene: LRBA (LPS responsive beige-like anchor protein; minus strand). Cytogenetic location: 4q31.3.
Variant type: single nucleotide variant.
Coding change: c.3815A>G on transcript NM_001364905.1 (MANE Select); coding-DNA position 3815, A replaced by G.
Protein change: p.His1272Arg; replaces histidine 1272 with arginine.
Molecular consequence: missense variant.
Genome position (GRCh38, 1-based): chr4:150,851,895, T>C on the plus strand (A>G on the coding strand, the complement: LRBA is on the minus strand). VCF-style: chr4-150851895-T-C. GRCh37 (hg19) VCF-style: chr4-151773047-T-C.
Other names: c.3815A>G, p.His1272Arg (NM_001199282.3, NM_001367550.1, NM_006726.5); short protein forms H1272R.
Identifiers: ClinVar variation 2854293 (VCV002854293.3), dbSNP rs1312237239, ClinGen allele CA358456196.